The following is an entry in ClinVar:

ClinVar aggregate classification (germline): Likely benign (1 of 4 stars; one submission).

gnomAD v4.1: 1 of 1,610,902 alleles (0.000062%); highest among the groups gnomAD compares: Non-Finnish European, 0.000085%; no homozygotes.

Submission:

CeGaT Center for Human Genetics Tuebingen
Classification: Likely benign. Last evaluated: 2024-02-01. Review status: criteria provided, single submitter. Criteria: CeGaT Center For Human Genetics Tuebingen Variant Classification Criteria Version 2. Collection method: clinical testing. Allele origin: germline. Affected: yes. Observed: 1 variant allele.
Comment: SEMA3E: PM2:Supporting, BP4, BP7

NM_012431.3(SEMA3E):c.2034C>G (p.Val678=)

Gene: SEMA3E (semaphorin 3E; minus strand). Cytogenetic location: 7q21.11.
Variant type: single nucleotide variant.
Coding change: c.2034C>G on transcript NM_012431.3 (MANE Select); coding-DNA position 2034, C replaced by G.
Protein change: p.Val678=; no amino-acid change (valine 678 retained).
Molecular consequence: synonymous variant.
Genome position (GRCh38, 1-based): chr7:83,367,880, G>C on the plus strand (C>G on the coding strand, the complement: SEMA3E is on the minus strand). VCF-style: chr7-83367880-G-C. GRCh37 (hg19) VCF-style: chr7-82997196-G-C.
Other names: c.1854C>G, p.Val618= (NM_001178129.2).
Identifiers: ClinVar variation 3027025 (VCV003027025.22), dbSNP rs146635766, ClinGen allele CA456344530.